The following is an entry in ClinVar:

ClinVar aggregate classification (germline): Uncertain significance (1 of 4 stars; one submission).

Conditions:
Methylmalonic acidemia with homocystinuria, type cblX (MAHCX). Also called: INTELLECTUAL DEVELOPMENTAL DISORDER, X-LINKED 3. Identifiers: Orphanet 369962, MedGen C0796208, MONDO:0010657, OMIM 309541.

Allele frequency attached by ClinVar (database versions not stated): ExAC 0.00001; gnomAD exomes 0.00001.
gnomAD v4.1: 8 of 1,210,377 alleles (0.00066%); highest among the groups gnomAD compares: South Asian, 0.011%; no homozygotes.

Submission:

Labcorp Genetics (formerly Invitae), Labcorp
Classification: Uncertain significance for Methylmalonic acidemia with homocystinuria, type cblX. Last evaluated: 2022-02-10. Review status: criteria provided, single submitter. Criteria: Invitae Variant Classification Sherloc (09022015). Collection method: clinical testing. Allele origin: germline.
Comment: This sequence change replaces threonine, which is neutral and polar, with alanine, which is neutral and non-polar, at codon 408 of the HCFC1 protein (p.Thr408Ala). This variant is present in population databases (rs781937365, gnomAD 0.01%). This variant has not been reported in the literature in individuals affected with HCFC1-related conditions. Algorithms developed to predict the effect of missense changes on protein structure and function output the following: SIFT: "Tolerated"; PolyPhen-2: "Benign"; Align-GVGD: "Class C0". The alanine amino acid residue is found in multiple mammalian species, which suggests that this missense change does not adversely affect protein function. In summary, the available evidence is currently insufficient to determine the role of this variant in disease. Therefore, it has been classified as a Variant of Uncertain Significance.

NM_005334.3(HCFC1):c.1222A>G (p.Thr408Ala)

Gene: HCFC1 (host cell factor C1; minus strand). Cytogenetic location: Xq28.
Variant type: single nucleotide variant.
Coding change: c.1222A>G on transcript NM_005334.3 (MANE Select); coding-DNA position 1222, A replaced by G.
Protein change: p.Thr408Ala; replaces threonine 408 with alanine.
Molecular consequence: missense variant.
Genome position (GRCh38, 1-based): chrX:153,960,024, T>C on the plus strand (A>G on the coding strand, the complement: HCFC1 is on the minus strand). VCF-style: chrX-153960024-T-C. GRCh37 (hg19) VCF-style: chrX-153225475-T-C.
Other names: short protein forms T408A.
Identifiers: ClinVar variation 1373614 (VCV001373614.3), dbSNP rs781937365, ClinGen allele CA10557537.
Genomic context (GRCh38, chrX:153,960,024, plus strand): 5'-GGCTCTTGGGAGGGTTGGCAGGCACAGATGGGACCGGATTGGGTGTAGGGGAGGTGGCAG[T>C]AGCAGCCGTGGCAGGAATGTCATATTTCTGGAGCTGGAGAAGGTAGCTGTCGGCTGTTGC-3'
Protein context (NP_005325.2, residues 398-418): QKYDIPATAA[Thr408Ala]ATSPTPNPVP